The following is an entry in ClinVar:

ClinVar aggregate classification (germline): Conflicting classifications of pathogenicity. Review status: criteria provided, conflicting classifications (1 of 4 stars). 5 submissions from 5 submitters: Uncertain significance (1); Likely benign (4). Last evaluated 2025-10-01.

Conditions:
CABP2-related disorder. Also called: CABP2-related condition.

Allele frequency attached by ClinVar (database versions not stated): ESP Exome Variant Server 0.00116; TOPMed 0.00135; 1000 Genomes Project 30x 0.00156; 1000 Genomes Project 0.00160.

Submissions (5):

Labcorp Genetics (formerly Invitae), Labcorp
Classification: Likely benign. Last evaluated: 2025-10-01. Review status: criteria provided, single submitter. Criteria: Invitae Variant Classification Sherloc (09022015). Collection method: clinical testing. Allele origin: germline.

PreventionGenetics, part of Exact Sciences
Classification: Likely benign for CABP2-related condition. Last evaluated: 2024-12-13. Review status: criteria provided, single submitter. Criteria: ACMG Guidelines, 2015. Collection method: clinical testing. Allele origin: germline.
Comment: This variant is classified as likely benign based on ACMG/AMP sequence variant interpretation guidelines (Richards et al. 2015 PMID: 25741868, with internal and published modifications).

Blueprint Genetics
Classification: Likely benign. Last evaluated: 2024-11-19. Review status: criteria provided, single submitter. Criteria: ACMG Guidelines, 2015. Collection method: clinical testing. Allele origin: germline.

GeneDx
Classification: Likely benign. Last evaluated: 2021-05-05. Review status: criteria provided, single submitter. Criteria: GeneDx Variant Classification Process June 2021. Collection method: clinical testing. Allele origin: germline. Affected: yes.

Eurofins Ntd Llc (ga)
Classification: Uncertain significance. Last evaluated: 2017-05-22. Review status: criteria provided, single submitter. Criteria: EGL Classification Definitions 2015. Collection method: clinical testing. Allele origin: germline. Observed: 1 variant allele, 1 heterozygote.

NM_016366.3(CABP2):c.201C>A (p.Ala67=)

Gene: CABP2 (calcium binding protein 2; minus strand). Cytogenetic location: 11q13.2.
Variant type: single nucleotide variant.
Coding change: c.201C>A on transcript NM_016366.3 (MANE Select); coding-DNA position 201, C replaced by A.
Protein change: p.Ala67=; no amino-acid change (alanine 67 retained).
Molecular consequence: synonymous variant. On other transcripts: missense variant (1).
Genome position (GRCh38, 1-based): chr11:67,522,558, G>T on the plus strand (C>A on the coding strand, the complement: CABP2 is on the minus strand). VCF-style: chr11-67522558-G-T. GRCh37 (hg19) VCF-style: chr11-67290029-G-T.
Other names: c.215C>A, p.Pro72Gln (NM_001318496.2); c.215C>A (NM_001318496.1); short protein forms P72Q.
Identifiers: ClinVar variation 501973 (VCV000501973.18), dbSNP rs138981491, ClinGen allele CA6142573.